The following is an entry in ClinVar:

NM_001033855.3(DCLRE1C):c.1340C>A (p.Thr447Lys)

Gene: DCLRE1C (DNA cross-link repair 1C; minus strand). Cytogenetic location: 10p13.
Variant type: single nucleotide variant.
Coding change: c.1340C>A on transcript NM_001033855.3 (MANE Select); coding-DNA position 1340, C replaced by A.
Protein change: p.Thr447Lys; replaces threonine 447 with lysine.
Molecular consequence: missense variant. On other transcripts: non-coding transcript variant (4).
Genome position (GRCh38, 1-based): chr10:14,909,147, G>T on the plus strand (C>A on the coding strand, the complement: DCLRE1C is on the minus strand). VCF-style: chr10-14909147-G-T. GRCh37 (hg19) VCF-style: chr10-14951146-G-T.
Other names: c.980C>A, p.Thr327Lys (NM_001033857.3, NM_001033858.3, NM_001289077.2 and 2 more transcripts); c.995C>A, p.Thr332Lys (NM_001289076.2, NM_001289078.2, NM_001350966.2 and 1 more transcripts); c.1340C>A, p.Thr447Lys (NM_001350965.2); short protein forms T327K, T447K, T332K.
Identifiers: ClinVar variation 2154083 (VCV002154083.1), dbSNP rs80148779, ClinGen allele CA5416497.

ClinVar aggregate classification (germline): Uncertain significance (1 of 4 stars; one submission).

Conditions:
Severe combined immunodeficiency due to DCLRE1C deficiency (RS-SCID). Also called: SCID, AUTOSOMAL RECESSIVE, T CELL-NEGATIVE, B CELL-NEGATIVE, NK CELL-POSITIVE, WITH SENSITIVITY TO IONIZING RADIATION. Identifiers: Orphanet 275, MedGen C1865371, MONDO:0011225, OMIM 602450.

Allele frequency attached by ClinVar (database versions not stated): gnomAD 0.00001; ExAC 0.00002; 1000 Genomes Project 30x 0.00016; TOPMed 0.00002; 1000 Genomes Project 0.00020.
gnomAD v4.1: 9 of 1,614,168 alleles (0.00056%); highest among the groups gnomAD compares: East Asian, 0.02%; no homozygotes.

Submission:

Labcorp Genetics (formerly Invitae), Labcorp
Classification: Uncertain significance for Athabaskan severe combined immunodeficiency. Last evaluated: 2021-12-21. Review status: criteria provided, single submitter. Criteria: Invitae Variant Classification Sherloc (09022015). Collection method: clinical testing. Allele origin: germline.
Comment: This sequence change replaces threonine, which is neutral and polar, with lysine, which is basic and polar, at codon 447 of the DCLRE1C protein (p.Thr447Lys). This variant is present in population databases (rs80148779, gnomAD 0.03%). This variant has not been reported in the literature in individuals affected with DCLRE1C-related conditions. Algorithms developed to predict the effect of missense changes on protein structure and function (SIFT, PolyPhen-2, Align-GVGD) all suggest that this variant is likely to be tolerated. In summary, the available evidence is currently insufficient to determine the role of this variant in disease. Therefore, it has been classified as a Variant of Uncertain Significance.